The following is an entry in ClinVar:

NM_000466.3(PEX1):c.2166del (p.Val723fs)

Gene: PEX1 (peroxisomal biogenesis factor 1; minus strand). Cytogenetic location: 7q21.2.
Variant type: Deletion.
Coding change: c.2166del on transcript NM_000466.3 (MANE Select); coding-DNA position 2166, one base deleted (T; older notation c.2166delT).
Protein change: p.Val723fs; shifts the reading frame from valine 723.
Molecular consequence: frameshift variant.
Genome position (GRCh38, 1-based): chr7:92,503,101, A deleted on the plus strand (T on the coding strand, the reverse complement: PEX1 is on the minus strand); the first of 2 consecutive A bases (chr7:92,503,101-92,503,102); deleting either gives the same sequence. VCF-style (leftmost placement, unchanged base first): chr7-92503100-CA-C. GRCh37 (hg19) VCF-style: chr7-92132414-CA-C.
Other names: c.1995del, p.Val666fs (NM_001282677.2); c.1542del, p.Val515fs (NM_001282678.2); short protein forms V515fs, V666fs, V723fs.
Identifiers: ClinVar variation 5014180 (VCV005014180.1).

ClinVar aggregate classification (germline): Pathogenic (1 of 4 stars; one submission).

Conditions:
Peroxisome biogenesis disorder. Identifiers: Orphanet 79189, MedGen C1832200, MONDO:0019234. Disease mechanism: loss of function.

Submission:

Myriad Genetics, Inc.
Classification: Pathogenic for Peroxisome biogenesis disorder. Last evaluated: 2025-03-07. Review status: criteria provided, single submitter. Criteria: Myriad Autosomal Dominant, Autosomal Recessive and X-Linked Classification Criteria (2023). Collection method: clinical testing. Allele origin: unknown.
Comment: NM_000466.2(PEX1):c.2166delT(V723Ffs*30) is expected to be pathogenic in the context of peroxisome biogenesis disorder type 1. This variant is predicted to lead to an abnormal or absent protein product due to the creation of a premature termination codon in PEX1, a gene where loss-of-function variants are known to be pathogenic. Please note: this variant was assessed in the context of healthy population screening.